The following is an entry in ClinVar:

NM_006767.4(LZTR1):c.696del (p.Val233fs)

Gene: LZTR1 (leucine zipper like post translational regulator 1; plus strand). Cytogenetic location: 22q11.21.
Variant type: Deletion.
Coding change: c.696del on transcript NM_006767.4 (MANE Select); coding-DNA position 696, one base deleted (C; older notation c.696delC).
Protein change: p.Val233fs; shifts the reading frame from valine 233.
Molecular consequence: frameshift variant.
Genome position (GRCh38, 1-based): chr22:20,990,430, C deleted; the last of 4 consecutive C bases (chr22:20,990,427-20,990,430); deleting any one gives the same sequence. VCF-style (leftmost placement, unchanged base first): chr22-20990426-TC-T. GRCh37 (hg19) VCF-style: chr22-21344715-TC-T.
Other names: short protein forms V233fs.
Identifiers: ClinVar variation 1756372 (VCV001756372.5), dbSNP rs759626368, ClinGen allele CA638555889.

ClinVar aggregate classification (germline): Pathogenic. Review status: criteria provided, multiple submitters, no conflicts (2 of 4 stars). 2 submissions from 2 submitters: Pathogenic (2). Last evaluated 2025-09-24.

Conditions:
Cardiovascular phenotype. Identifiers: MedGen CN230736.
Hereditary cancer-predisposing syndrome. Also called: Neoplastic Syndromes, Hereditary; Tumor predisposition; Hereditary Cancer Syndrome; Hereditary neoplastic syndrome. Identifiers: Orphanet 140162, MedGen C0027672, MeSH D009386, MONDO:0015356.

Submissions (2):

Labcorp Genetics (formerly Invitae), Labcorp
Classification: Pathogenic. Last evaluated: 2025-09-24. Review status: criteria provided, single submitter. Criteria: Invitae Variant Classification Sherloc (09022015). Collection method: clinical testing. Allele origin: germline.
Comment: This sequence change creates a premature translational stop signal (p.Val233Trpfs*19) in the LZTR1 gene. It is expected to result in an absent or disrupted protein product. Loss-of-function variants in LZTR1 are known to be pathogenic (PMID: 24362817, 25335493, 25480913, 25795793, 29469822, 30368668, 30442762, 30442766, 30481304, 30859559). This variant is present in population databases (no rsID available, gnomAD 0.0009%). This variant has not been reported in the literature in individuals affected with LZTR1-related conditions. ClinVar contains an entry for this variant (Variation ID: 1756372). For these reasons, this variant has been classified as Pathogenic.

Ambry Genetics
Classification: Pathogenic for Cardiovascular phenotype; Hereditary cancer-predisposing syndrome. Last evaluated: 2024-10-01. Review status: criteria provided, single submitter. Criteria: Ambry Variant Classification Scheme 2023. Collection method: clinical testing. Allele origin: germline.
Comment: The c.696delC pathogenic mutation, located in coding exon 8 of the LZTR1 gene, results from a deletion of one nucleotide at nucleotide position 696, causing a translational frameshift with a predicted alternate stop codon (p.V233Wfs*19). This variant is considered to be rare based on population cohorts in the Genome Aggregation Database (gnomAD). This alteration is expected to result in loss of function by premature protein truncation or nonsense-mediated mRNA decay. Loss-of-function variants in LZTR1 are related to an increased risk for schwannomas and autosomal recessive Noonan syndrome; however, such associations with autosomal dominant Noonan syndrome have not been observed (Piotrowski A et al. Nat Genet. 2014 Feb;46:182-7; Yamamoto GL et al. J Med Genet. 2015 Jun;52:413-21; Johnston JJ et al. Genet Med. 2018 10;20:1175-1185). Based on the supporting evidence, this variant is pathogenic for an increased risk of LZTR1-related schwannomatosis (SWN) and would be expected to cause autosomal recessive Noonan syndrome when present along with a second pathogenic or likely pathogenic variant on the other allele; however, the association of this alteration with autosomal dominant Noonan syndrome is unlikely.

Literature cited by the submitters: PubMed 24362817 (cited by Labcorp Genetics (formerly Invitae), Labcorp); PubMed 25335493 (cited by Labcorp Genetics (formerly Invitae), Labcorp); PubMed 25480913 (cited by Labcorp Genetics (formerly Invitae), Labcorp); PubMed 25795793 (cited by Labcorp Genetics (formerly Invitae), Labcorp); PubMed 29469822 (cited by Labcorp Genetics (formerly Invitae), Labcorp); PubMed 30368668 (cited by Labcorp Genetics (formerly Invitae), Labcorp); PubMed 30442762 (cited by Labcorp Genetics (formerly Invitae), Labcorp); PubMed 30442766 (cited by Labcorp Genetics (formerly Invitae), Labcorp); PubMed 30481304 (cited by Labcorp Genetics (formerly Invitae), Labcorp); PubMed 30859559 (cited by Labcorp Genetics (formerly Invitae), Labcorp).